The following is an entry in ClinVar:

NM_153747.2(PIGC):c.861A>G (p.Glu287=)

Genes: C1orf105 (chromosome 1 open reading frame 105; plus strand), PIGC (phosphatidylinositol glycan anchor biosynthesis class C; minus strand). Cytogenetic location: 1q24.3.
Variant type: single nucleotide variant.
Coding change: c.861A>G on transcript NM_153747.2 (MANE Select); coding-DNA position 861, A replaced by G.
Protein change: p.Glu287=; no amino-acid change (glutamic acid 287 retained).
Molecular consequence: synonymous variant. On other transcripts: intron variant (1).
Genome position (GRCh38, 1-based): chr1:172,441,762, T>C on the plus strand (A>G on the coding strand, the complement: PIGC is on the minus strand). VCF-style: chr1-172441762-T-C. GRCh37 (hg19) VCF-style: chr1-172410902-T-C.
Other names: c.861A>G, p.Glu287= (NM_002642.4); c.22-3311T>C (NM_139240.4).
Identifiers: ClinVar variation 2639563 (VCV002639563.24), dbSNP rs2526985114, ClinGen allele CA421939761.
Genomic context (GRCh38, chr1:172,441,762, plus strand): 5'-CTTTAATAATGTAATGGATGTCCTAATTTAACTGAGGAACCTGGACAAGTCTTCCTTGAT[T>C]TCAGCTTCATCCCAAGGCCCATGAATGTTTTCTTTAAAAAGCTGCAAGCGAATGAGGTAG-3'
Protein context (NP_714969.1, residues 277-297): ENIHGPWDEA[Glu287=]IKEDLSRFLS

ClinVar aggregate classification (germline): Likely benign (1 of 4 stars; one submission).

Submission:

CeGaT Center for Human Genetics Tuebingen
Classification: Likely benign. Last evaluated: 2023-02-01. Review status: criteria provided, single submitter. Criteria: CeGaT Center For Human Genetics Tuebingen Variant Classification Criteria Version 2. Collection method: clinical testing. Allele origin: germline. Affected: yes. Observed: 1 variant allele.
Comment: PIGC: PM2:Supporting, BP4, BP7